The following is an entry in ClinVar:

ClinVar aggregate classification (germline): Uncertain significance (1 of 4 stars; one submission).

Conditions:
Bardet-Biedl syndrome (BBS). Identifiers: Orphanet 110, MedGen C0752166, MONDO:0015229.

Allele frequency attached by ClinVar (database versions not stated): gnomAD exomes below 0.00001; TOPMed below 0.00001.
gnomAD v4.1: 1 of 1,613,630 alleles (0.000062%); highest among the groups gnomAD compares: Non-Finnish European, 0.000085%; no homozygotes.

Submission:

Labcorp Genetics (formerly Invitae), Labcorp
Classification: Uncertain significance for Bardet-Biedl syndrome. Last evaluated: 2021-12-19. Review status: criteria provided, single submitter. Criteria: Invitae Variant Classification Sherloc (09022015). Collection method: clinical testing. Allele origin: germline.
Comment: This sequence change replaces glycine, which is neutral and non-polar, with arginine, which is basic and polar, at codon 26 of the BBS12 protein (p.Gly26Arg). This variant is not present in population databases (gnomAD no frequency). This variant has not been reported in the literature in individuals affected with BBS12-related conditions. Algorithms developed to predict the effect of missense changes on protein structure and function are either unavailable or do not agree on the potential impact of this missense change (SIFT: "Tolerated"; PolyPhen-2: "Probably Damaging"; Align-GVGD: "Class C0"). In summary, the available evidence is currently insufficient to determine the role of this variant in disease. Therefore, it has been classified as a Variant of Uncertain Significance.

NM_152618.3(BBS12):c.76G>A (p.Gly26Arg)

Gene: BBS12 (Bardet-Biedl syndrome 12; plus strand). Cytogenetic location: 4q27.
Variant type: single nucleotide variant.
Coding change: c.76G>A on transcript NM_152618.3 (MANE Select); coding-DNA position 76, G replaced by A.
Protein change: p.Gly26Arg; replaces glycine 26 with arginine.
Molecular consequence: missense variant.
Genome position (GRCh38, 1-based): chr4:122,741,968, G>A. VCF-style: chr4-122741968-G-A. GRCh37 (hg19) VCF-style: chr4-123663123-G-A.
Other names: c.76G>A, p.Gly26Arg (NM_001178007.2); short protein forms G26R.
Identifiers: ClinVar variation 1983147 (VCV001983147.1), dbSNP rs957653051, ClinGen allele CA105249151.